The following is an entry in ClinVar:

ClinVar aggregate classification (germline): Uncertain significance. Review status: criteria provided, multiple submitters, no conflicts (2 of 4 stars). 2 submissions from 2 submitters: Uncertain significance (2). Last evaluated 2024-04-01.

Conditions:
Hereditary orotic aciduria, type 1. Also called: Orotic aciduria type 1; Oroticaciduria 1. Identifiers: MedGen C0268130.

Allele frequency attached by ClinVar (database versions not stated): gnomAD 0.00001; TOPMed 0.00002; ExAC 0.00005.
gnomAD v4.1: 49 of 1,614,002 alleles (0.003%); highest among the groups gnomAD compares: South Asian, 0.021%; 1 homozygote.

Submissions (2):

CeGaT Center for Human Genetics Tuebingen
Classification: Uncertain significance. Last evaluated: 2024-04-01. Review status: criteria provided, single submitter. Criteria: CeGaT Center For Human Genetics Tuebingen Variant Classification Criteria Version 2. Collection method: clinical testing. Allele origin: germline. Affected: yes. Observed: 1 variant allele.
Comment: UMPS: PP2, BP4

Labcorp Genetics (formerly Invitae), Labcorp
Classification: Uncertain significance for Hereditary orotic aciduria, type 1. Last evaluated: 2023-03-19. Review status: criteria provided, single submitter. Criteria: Invitae Variant Classification Sherloc (09022015). Collection method: clinical testing. Allele origin: germline.
Comment: In summary, the available evidence is currently insufficient to determine the role of this variant in disease. Therefore, it has been classified as a Variant of Uncertain Significance. Algorithms developed to predict the effect of missense changes on protein structure and function output the following: SIFT: "Not Available"; PolyPhen-2: "Benign"; Align-GVGD: "Not Available". The proline amino acid residue is found in multiple mammalian species, which suggests that this missense change does not adversely affect protein function. This variant has not been reported in the literature in individuals affected with UMPS-related conditions. This variant is present in population databases (rs201130807, gnomAD 0.02%). This sequence change replaces alanine, which is neutral and non-polar, with proline, which is neutral and non-polar, at codon 4 of the UMPS protein (p.Ala4Pro).

NM_000373.4(UMPS):c.10G>C (p.Ala4Pro)

Gene: UMPS (uridine monophosphate synthetase; plus strand). Cytogenetic location: 3q21.2.
Variant type: single nucleotide variant.
Coding change: c.10G>C on transcript NM_000373.4 (MANE Select); coding-DNA position 10, G replaced by C.
Protein change: p.Ala4Pro; replaces alanine 4 with proline.
Molecular consequence: missense variant. On other transcripts: non-coding transcript variant (2).
Genome position (GRCh38, 1-based): chr3:124,730,481, G>C. VCF-style: chr3-124730481-G-C. GRCh37 (hg19) VCF-style: chr3-124449328-G-C.
Other names: short protein forms A4P.
Identifiers: ClinVar variation 2915373 (VCV002915373.21), dbSNP rs201130807, ClinGen allele CA2581551.